The following is an entry in ClinVar:

ClinVar aggregate classification (germline): Likely benign. Review status: criteria provided, single submitter (1 of 4 stars). 2 submissions from 2 submitters: Likely benign (1). 1 of the submissions does not count toward it. Last evaluated 2023-11-25.

Conditions:
TAOK2-related disorder. Also called: TAOK2-related condition.

Allele frequency attached by ClinVar (database versions not stated): gnomAD exomes 0.00001; ExAC 0.00004; gnomAD 0.00009; TOPMed 0.00009.

Submissions (2):

Labcorp Genetics (formerly Invitae), Labcorp
Classification: Likely benign. Last evaluated: 2023-11-25. Review status: criteria provided, single submitter. Criteria: Invitae Variant Classification Sherloc (09022015). Collection method: clinical testing. Allele origin: germline.

PreventionGenetics, part of Exact Sciences
Classification: Likely benign for TAOK2-related condition. Last evaluated: 2023-12-11. Review status: no assertion criteria provided. Collection method: clinical testing. Allele origin: germline. Not counted in ClinVar's aggregate classification.
Comment: This variant is classified as likely benign based on ACMG/AMP sequence variant interpretation guidelines (Richards et al. 2015 PMID: 25741868, with internal and published modifications).

NM_016151.4(TAOK2):c.450-7C>T

Gene: TAOK2 (TAO kinase 2; plus strand). Cytogenetic location: 16p11.2.
Variant type: single nucleotide variant.
Coding change: c.450-7C>T on transcript NM_016151.4 (MANE Select); 7 bases into the intron before coding-DNA position 450, C replaced by T.
Molecular consequence: intron variant.
Genome position (GRCh38, 1-based): chr16:29,979,188, C>T. VCF-style: chr16-29979188-C-T. GRCh37 (hg19) VCF-style: chr16-29990509-C-T.
Other names: c.450-7C>T (NM_004783.4, NM_001252043.2, NM_016151.3).
Identifiers: ClinVar variation 1911751 (VCV001911751.7), dbSNP rs745715123, ClinGen allele CA7997827.